The following is an entry in ClinVar:

ClinVar aggregate classification (germline): Uncertain significance (1 of 4 stars; one submission).

Conditions:
Cardiovascular phenotype. Identifiers: MedGen CN230736.

Submission:

Ambry Genetics
Classification: Uncertain significance for Cardiovascular phenotype. Last evaluated: 2026-05-23. Review status: criteria provided, single submitter. Criteria: Ambry Variant Classification Scheme 2023. Collection method: clinical testing. Allele origin: germline.
Comment: The p.F4951I variant (also known as c.14851T>A), located in coding exon 105 of the RYR2 gene, results from a T to A substitution at nucleotide position 14851. The phenylalanine at codon 4951 is replaced by isoleucine, an amino acid with highly similar properties. This amino acid position is conserved. In addition, this alteration is predicted to be deleterious by in silico analysis. Based on the available evidence, the clinical significance of this variant remains unclear.

NM_001035.3(RYR2):c.14851T>A (p.Phe4951Ile)

Gene: RYR2 (ryanodine receptor 2; plus strand). Cytogenetic location: 1q43.
Variant type: single nucleotide variant.
Coding change: c.14851T>A on transcript NM_001035.3 (MANE Select); coding-DNA position 14851, T replaced by A.
Protein change: p.Phe4951Ile; replaces phenylalanine 4951 with isoleucine.
Molecular consequence: missense variant.
Genome position (GRCh38, 1-based): chr1:237,832,594, T>A. VCF-style: chr1-237832594-T-A. GRCh37 (hg19) VCF-style: chr1-237995894-T-A.
Other names: short protein forms F4951I.
Identifiers: ClinVar variation 4863722 (VCV004863722.1).